The following is an entry in ClinVar:

NM_021098.3(CACNA1H):c.2240G>C (p.Arg747Pro)

Gene: CACNA1H (calcium voltage-gated channel subunit alpha1 H; plus strand). Cytogenetic location: 16p13.3.
Variant type: single nucleotide variant.
Coding change: c.2240G>C on transcript NM_021098.3 (MANE Select); coding-DNA position 2240, G replaced by C.
Protein change: p.Arg747Pro; replaces arginine 747 with proline.
Molecular consequence: missense variant.
Genome position (GRCh38, 1-based): chr16:1,204,247, G>C. VCF-style: chr16-1204247-G-C. GRCh37 (hg19) VCF-style: chr16-1254247-G-C.
Other names: c.2240G>C, p.Arg747Pro (NM_001005407.2); short protein forms R747P.
Identifiers: ClinVar variation 4782824 (VCV004782824.1).

ClinVar aggregate classification (germline): Uncertain significance (1 of 4 stars; one submission).

Conditions:
Idiopathic generalized epilepsy. Also called: EIG; Generalised epilepsy. Identifiers: MedGen C0270850, MONDO:0005579, OMIM 600669.
Hyperaldosteronism, familial, type IV (HALD4). Also called: FH IV; ALDOSTERONISM, PRIMARY, AND HYPERTENSION. Identifiers: Orphanet 642671, MedGen C4310756, MONDO:0014875, OMIM 617027.

gnomAD v4.1: 1 of 1,610,392 alleles (0.000062%); no homozygotes.

Submission:

Labcorp Genetics (formerly Invitae), Labcorp
Classification: Uncertain significance for Idiopathic generalized epilepsy; Hyperaldosteronism, familial, type IV. Last evaluated: 2025-09-15. Review status: criteria provided, single submitter. Criteria: Invitae Variant Classification Sherloc (09022015). Collection method: clinical testing. Allele origin: germline.
Comment: This sequence change replaces arginine, which is basic and polar, with proline, which is neutral and non-polar, at codon 747 of the CACNA1H protein (p.Arg747Pro). This variant is not present in population databases (gnomAD no frequency). This variant has not been reported in the literature in individuals affected with CACNA1H-related conditions. Invitae Evidence Modeling of protein sequence and biophysical properties (such as structural, functional, and spatial information, amino acid conservation, physicochemical variation, residue mobility, and thermodynamic stability) indicates that this missense variant is not expected to disrupt CACNA1H protein function with a negative predictive value of 80%. In summary, the available evidence is currently insufficient to determine the role of this variant in disease. Therefore, it has been classified as a Variant of Uncertain Significance.